The following is an entry in ClinVar:

NC_000008.11:g.(?_125024607)_(125044104_?)del

Gene: WASHC5 (WASH complex subunit 5; minus strand). Cytogenetic location: 8q24.13.
Variant type: Deletion.
Identifiers: ClinVar variation 831091 (VCV000831091.5).

ClinVar aggregate classification (germline): Uncertain significance (1 of 4 stars; one submission).

Conditions:
Ritscher-Schinzel syndrome. Also called: CRANIOCEREBELLOCARDIAC DYSPLASIA. Identifiers: Orphanet 7, MedGen C0796137, MONDO:0019078.
Hereditary spastic paraplegia 8 (SPG8). Also called: SPASTIC PARAPLEGIA 8, AUTOSOMAL DOMINANT. Identifiers: Orphanet 100989, MedGen C1863704, MONDO:0011339, OMIM 603563.

Submission:

Labcorp Genetics (formerly Invitae), Labcorp
Classification: Uncertain significance for Ritscher-Schinzel syndrome; Hereditary spastic paraplegia 8. Last evaluated: 2019-05-09. Review status: criteria provided, single submitter. Criteria: Invitae Variant Classification Sherloc (09022015). Collection method: clinical testing. Allele origin: germline.
Comment: In summary, the available evidence is currently insufficient to determine the role of this variant in disease. Therefore, it has been classified as a Variant of Uncertain Significance. This variant is a gross deletion of the genomic region encompassing exons 22-29 of the WASHC5 gene. The 5' boundary is likely confined to intron 21. The 3' end of this event is unknown as it extends through the termination codon beyond the assayed region for this gene and may encompass additional genes. While this deletion is not anticipated to result in nonsense mediated decay, it is expected to create a truncated protein product or disrupt mRNA translation. This variant has not been reported in the literature in individuals with WASHC5-related conditions.